The following is an entry in ClinVar:

ClinVar aggregate classification (germline): Pathogenic. Review status: criteria provided, multiple submitters, no conflicts (2 of 4 stars). 3 submissions from 3 submitters: Pathogenic (3). Last evaluated 2024-01-14.

Conditions:
Familial juvenile hyperuricemic nephropathy type 1 (ADTKD1). Also called: Autosomal Dominant Tubulointerstitial Kidney Disease – UMOD; UMOD-Associated Kidney Disease; Uromodulin-associated kidney disease; Glomerulocystic kidney disease with hyperuricemia and isosthenuria; Medullary cystic kidney disease 2. Identifiers: Orphanet 209886, Orphanet 34149, Orphanet 88950, MedGen C4551496, MONDO:0008073, OMIM 162000.

Submissions (3):

Labcorp Genetics (formerly Invitae), Labcorp
Classification: Pathogenic. Last evaluated: 2024-01-14. Review status: criteria provided, single submitter. Criteria: Invitae Variant Classification Sherloc (09022015). Collection method: clinical testing. Allele origin: germline.
Comment: This sequence change replaces arginine, which is basic and polar, with cysteine, which is neutral and slightly polar, at codon 185 of the UMOD protein (p.Arg185Cys). This variant is not present in population databases (gnomAD no frequency). This missense change has been observed in individuals with dominant tubulointerstitial kidney disease (PMID: 21868615, 32450155). ClinVar contains an entry for this variant (Variation ID: 586922). Advanced modeling of protein sequence and biophysical properties (such as structural, functional, and spatial information, amino acid conservation, physicochemical variation, residue mobility, and thermodynamic stability) performed at Invitae indicates that this missense variant is expected to disrupt UMOD protein function with a positive predictive value of 95%. This variant disrupts the p.Arg185 amino acid residue in UMOD. Other variant(s) that disrupt this residue have been determined to be pathogenic (PMID: 21868615, 32450155). This suggests that this residue is clinically significant, and that variants that disrupt this residue are likely to be disease-causing. For these reasons, this variant has been classified as Pathogenic.

Fulgent Genetics
Classification: Pathogenic for Familial juvenile hyperuricemic nephropathy type 1. Last evaluated: 2022-03-05. Review status: criteria provided, single submitter. Criteria: ACMG Guidelines, 2015. Collection method: clinical testing. Allele origin: unknown.

Athena Diagnostics
Classification: Pathogenic. Last evaluated: 2018-06-25. Review status: criteria provided, single submitter. Criteria: Athena Diagnostics Criteria. Collection method: clinical testing. Allele origin: germline.

Literature cited by the submitters: PubMed 21868615 (cited by Labcorp Genetics (formerly Invitae), Labcorp and Athena Diagnostics); PubMed 32450155 (cited by Labcorp Genetics (formerly Invitae), Labcorp).

NM_003361.4(UMOD):c.553C>T (p.Arg185Cys)

Gene: UMOD (uromodulin; minus strand). Cytogenetic location: 16p12.3.
Variant type: single nucleotide variant.
Coding change: c.553C>T on transcript NM_003361.4 (MANE Select); coding-DNA position 553, C replaced by T.
Protein change: p.Arg185Cys; replaces arginine 185 with cysteine.
Molecular consequence: missense variant. On other transcripts: non-coding transcript variant (1).
Genome position (GRCh38, 1-based): chr16:20,348,748, G>A on the plus strand (C>T on the coding strand, the complement: UMOD is on the minus strand). VCF-style: chr16-20348748-G-A. GRCh37 (hg19) VCF-style: chr16-20360070-G-A.
Other names: c.553C>T, p.Arg185Cys (NM_001378235.1, NM_001378237.1, NM_001008389.3 and 3 more transcripts); c.652C>T, p.Arg218Cys (NM_001278614.2); short protein forms R185C, R218C.
Identifiers: ClinVar variation 586922 (VCV000586922.5), dbSNP rs1567310155, ClinGen allele CA394985492.